The following is an entry in ClinVar:

ClinVar aggregate classification (germline): Uncertain significance (1 of 4 stars; one submission).

Conditions:
Charcot-Marie-Tooth disease dominant intermediate F. Identifiers: Orphanet 352670, MedGen C4749463, MONDO:0014074, OMIM 615185.

Allele frequency attached by ClinVar (database versions not stated): gnomAD exomes below 0.00001; gnomAD 0.00001; ExAC 0.00002; 1000 Genomes Project 0.00020; 1000 Genomes Project 30x 0.00031.
gnomAD v4.1: 8 of 1,614,144 alleles (0.0005%); highest among the groups gnomAD compares: Admixed American, 0.0017%; no homozygotes.

Submission:

Labcorp Genetics (formerly Invitae), Labcorp
Classification: Uncertain significance for Charcot-Marie-Tooth disease dominant intermediate F. Last evaluated: 2023-03-19. Review status: criteria provided, single submitter. Criteria: Invitae Variant Classification Sherloc (09022015). Collection method: clinical testing. Allele origin: germline.
Comment: This variant is present in population databases (rs186593898, gnomAD 0.003%). This sequence change replaces arginine, which is basic and polar, with histidine, which is basic and polar, at codon 283 of the GNB4 protein (p.Arg283His). This variant has not been reported in the literature in individuals affected with GNB4-related conditions. Advanced modeling of protein sequence and biophysical properties (such as structural, functional, and spatial information, amino acid conservation, physicochemical variation, residue mobility, and thermodynamic stability) performed at Invitae indicates that this missense variant is expected to disrupt GNB4 protein function. In summary, the available evidence is currently insufficient to determine the role of this variant in disease. Therefore, it has been classified as a Variant of Uncertain Significance.

NM_021629.4(GNB4):c.848G>A (p.Arg283His)

Gene: GNB4 (G protein subunit beta 4; minus strand). Cytogenetic location: 3q26.33.
Variant type: single nucleotide variant.
Coding change: c.848G>A on transcript NM_021629.4 (MANE Select); coding-DNA position 848, G replaced by A.
Protein change: p.Arg283His; replaces arginine 283 with histidine.
Molecular consequence: missense variant.
Genome position (GRCh38, 1-based): chr3:179,405,258, C>T on the plus strand (G>A on the coding strand, the complement: GNB4 is on the minus strand). VCF-style: chr3-179405258-C-T. GRCh37 (hg19) VCF-style: chr3-179123046-C-T.
Other names: short protein forms R283H.
Identifiers: ClinVar variation 2726657 (VCV002726657.3), dbSNP rs186593898, ClinGen allele CA2712402.